The following is an entry in ClinVar:

NM_023036.6(DNAI2):c.1348-1G>A

Gene: DNAI2 (dynein axonemal intermediate chain 2; plus strand). Cytogenetic location: 17q25.1.
Variant type: single nucleotide variant.
Coding change: c.1348-1G>A on transcript NM_023036.6 (MANE Select); the canonical splice acceptor site of the intron before coding-DNA position 1348, G replaced by A.
Molecular consequence: splice acceptor variant. On other transcripts: intron variant (1).
Genome position (GRCh38, 1-based): chr17:74,310,016, G>A. VCF-style: chr17-74310016-G-A. GRCh37 (hg19) VCF-style: chr17-72306155-G-A.
Other names: c.1348-1G>A (NM_023036.5, NM_001353167.2); c.1348-37G>A (NM_001172810.3).
Identifiers: ClinVar variation 1347762 (VCV001347762.10), dbSNP rs745755917, ClinGen allele CA8745758.

ClinVar aggregate classification (germline): Likely pathogenic. Review status: criteria provided, multiple submitters, no conflicts (2 of 4 stars). 3 submissions from 3 submitters: Likely pathogenic (3). Last evaluated 2025-09-08.

Conditions:
Primary ciliary dyskinesia. Also called: Ciliary dyskinesia. Identifiers: Orphanet 244, MedGen C0008780, MONDO:0016575, HP:0012265.
Primary ciliary dyskinesia 9. Also called: CILIARY DYSKINESIA, PRIMARY, 9, WITH OR WITHOUT SITUS INVERSUS. Identifiers: Orphanet 244, MedGen C2676235, MONDO:0012906, OMIM 612444.

Allele frequency attached by ClinVar (database versions not stated): gnomAD exomes below 0.00001; ExAC 0.00001; gnomAD 0.00001 and 0.00002; TOPMed 0.00001.
gnomAD v4.1: 5 of 1,613,680 alleles (0.00031%); highest among the groups gnomAD compares: African/African-American, 0.004%; no homozygotes.

Submissions (3):

Natera, Inc.
Classification: Likely pathogenic for Primary ciliary dyskinesia. Last evaluated: 2025-09-08. Review status: criteria provided, single submitter. Criteria: Natera Variant Classification Schema (03/2026). Collection method: clinical testing. Allele origin: germline.
Comment: The c.1348-1G>A variant in DNAI2 is a canonical splice acceptor site variant predicted to affect pre-mRNA splicing, which may result in an abnormal transcript and altered protein product. This variant is expected to result in nonsense mediated decay, truncation, or a dysfunctional protein product. This variant is rare in the general population with a frequency below the threshold expected for the associated phenotype(s). Given the available evidence, this variant is classified as Likely Pathogenic.

Fulgent Genetics
Classification: Likely pathogenic for Primary ciliary dyskinesia 9. Last evaluated: 2024-05-14. Review status: criteria provided, single submitter. Criteria: ACMG Guidelines, 2015. Collection method: clinical testing. Allele origin: germline.

Labcorp Genetics (formerly Invitae), Labcorp
Classification: Likely pathogenic for Primary ciliary dyskinesia. Last evaluated: 2024-01-28. Review status: criteria provided, single submitter. Criteria: Invitae Variant Classification Sherloc (09022015). Collection method: clinical testing. Allele origin: germline.
Comment: This sequence change affects an acceptor splice site in intron 10 of the DNAI2 gene. It is expected to disrupt RNA splicing. Variants that disrupt the donor or acceptor splice site typically lead to a loss of protein function (PMID: 16199547), and loss-of-function variants in DNAI2 are known to be pathogenic (PMID: 18950741, 23891469). This variant is present in population databases (rs745755917, gnomAD 0.007%). Disruption of this splice site has been observed in individual(s) with clinical features of primary ciliary dyskinesia (Invitae). ClinVar contains an entry for this variant (Variation ID: 1347762). Algorithms developed to predict the effect of sequence changes on RNA splicing suggest that this variant may disrupt the consensus splice site. In summary, the currently available evidence indicates that the variant is pathogenic, but additional data are needed to prove that conclusively. Therefore, this variant has been classified as Likely Pathogenic.

Literature cited by the submitters: PubMed 16199547 (cited by Labcorp Genetics (formerly Invitae), Labcorp); PubMed 18950741 (cited by Labcorp Genetics (formerly Invitae), Labcorp); PubMed 23891469 (cited by Labcorp Genetics (formerly Invitae), Labcorp).